The following is an entry in ClinVar:

ClinVar aggregate classification (germline): Likely benign (1 of 4 stars; one submission).

Allele frequency attached by ClinVar (database versions not stated): gnomAD 0.00485.

Submission:

CeGaT Center for Human Genetics Tuebingen
Classification: Likely benign. Last evaluated: 2023-04-01. Review status: criteria provided, single submitter. Criteria: CeGaT Center For Human Genetics Tuebingen Variant Classification Criteria Version 2. Collection method: clinical testing. Allele origin: germline. Affected: yes. Observed: 3 variant alleles.
Comment: CHMP1A: BS2

NM_002768.5(CHMP1A):c.253-327G>A

Gene: CHMP1A (charged multivesicular body protein 1A; minus strand). Cytogenetic location: 16q24.3.
Variant type: single nucleotide variant.
Coding change: c.253-327G>A on transcript NM_002768.5 (MANE Select); 327 bases into the intron before coding-DNA position 253, G replaced by A.
Molecular consequence: intron variant.
Genome position (GRCh38, 1-based): chr16:89,647,658, C>T on the plus strand (G>A on the coding strand, the complement: CHMP1A is on the minus strand). VCF-style: chr16-89647658-C-T. GRCh37 (hg19) VCF-style: chr16-89714066-C-T.
Other names: c.233-327G>A (NM_001083314.4).
Identifiers: ClinVar variation 2647121 (VCV002647121.24), dbSNP rs867318675, ClinGen allele CA286551102.
Genomic context (GRCh38, chr16:89,647,658, plus strand): 5'-CGACGTGGAGACCCAGTGCGGGGTCGGTGGAGAAAAGGCCGCCGACGTGGGGACCCAGCG[C>T]GGGGTCGGTGGAGAAAAGGCCGCCGACGTGGGGACCCAGCGCGGGGTCGGTGGAGAAAAG-3'